The following is an entry in ClinVar:

ClinVar aggregate classification (germline): Uncertain significance (1 of 4 stars; one submission).

Submission:

Labcorp Genetics (formerly Invitae), Labcorp
Classification: Uncertain significance. Last evaluated: 2021-08-05. Review status: criteria provided, single submitter. Criteria: Invitae Variant Classification Sherloc (09022015). Collection method: clinical testing. Allele origin: germline.
Comment: Algorithms developed to predict the effect of missense changes on protein structure and function (SIFT, PolyPhen-2, Align-GVGD) all suggest that this variant is likely to be tolerated. In summary, the available evidence is currently insufficient to determine the role of this variant in disease. Therefore, it has been classified as a Variant of Uncertain Significance. This variant has not been reported in the literature in individuals affected with TFRC-related conditions. This variant is not present in population databases (ExAC no frequency). This sequence change replaces aspartic acid with valine at codon 631 of the TFRC protein (p.Asp631Val). The aspartic acid residue is weakly conserved and there is a large physicochemical difference between aspartic acid and valine.

NM_001128148.3(TFRC):c.1892A>T (p.Asp631Val)

Gene: TFRC (transferrin receptor; minus strand). Cytogenetic location: 3q29.
Variant type: single nucleotide variant.
Coding change: c.1892A>T on transcript NM_001128148.3 (MANE Select); coding-DNA position 1892, A replaced by T.
Protein change: p.Asp631Val; replaces aspartic acid 631 with valine.
Molecular consequence: missense variant.
Genome position (GRCh38, 1-based): chr3:196,055,087, T>A on the plus strand (A>T on the coding strand, the complement: TFRC is on the minus strand). VCF-style: chr3-196055087-T-A. GRCh37 (hg19) VCF-style: chr3-195781958-T-A.
Other names: c.1649A>T, p.Asp550Val (NM_001313965.2); c.1046A>T, p.Asp349Val (NM_001313966.2); c.1892A>T, p.Asp631Val (NM_003234.4); short protein forms D550V, D349V, D631V.
Identifiers: ClinVar variation 1510437 (VCV001510437.6), dbSNP rs2108635482, ClinGen allele CA355561967.